The following is an entry in ClinVar:

NM_001042492.3(NF1):c.2335_2336insC (p.Asp779fs)

Gene: NF1 (neurofibromin 1; plus strand). Cytogenetic location: 17q11.2.
Variant type: Insertion.
Coding change: c.2335_2336insC on transcript NM_001042492.3 (MANE Select); coding-DNA positions 2335 to 2336, C inserted.
Protein change: p.Asp779fs; shifts the reading frame from aspartic acid 779.
Molecular consequence: frameshift variant.
Genome position: GRCh38 VCF-style: chr17-31227532-G-GC. GRCh37 (hg19) VCF-style: chr17-29554550-G-GC.
Other names: c.2335_2336insC, p.Asp779Alafs (NM_000267.4); short protein forms D779fs.
Identifiers: ClinVar variation 3728975 (VCV003728975.2).

ClinVar aggregate classification (germline): Pathogenic (1 of 4 stars; one submission).

Conditions:
Neurofibromatosis, type 1 (NF1). Also called: NEUROFIBROMATOSIS, TYPE I, SOMATIC; Peripheral type neurofibromatosis; Neurofibromatosis, type I; VON RECKLINGHAUSEN DISEASE. Identifiers: Orphanet 636, MedGen C0027831, MONDO:0018975, OMIM 162200. Disease mechanism: loss of function.

Submission:

Labcorp Genetics (formerly Invitae), Labcorp
Classification: Pathogenic for Neurofibromatosis, type 1. Last evaluated: 2025-01-14. Review status: criteria provided, single submitter. Criteria: Invitae Variant Classification Sherloc (09022015). Collection method: clinical testing. Allele origin: germline.
Comment: This sequence change creates a premature translational stop signal (p.Asp779Alafs*15) in the NF1 gene. It is expected to result in an absent or disrupted protein product. Loss-of-function variants in NF1 are known to be pathogenic (PMID: 10712197, 23913538). This variant is not present in population databases (gnomAD no frequency). This variant has not been reported in the literature in individuals affected with NF1-related conditions. For these reasons, this variant has been classified as Pathogenic.

Literature cited by the submitters: PubMed 10712197; PubMed 23913538.